The following is an entry in ClinVar:

NM_000137.4(FAH):c.466C>T (p.Pro156Ser)

Gene: FAH (fumarylacetoacetate hydrolase; plus strand). Cytogenetic location: 15q25.1.
Variant type: single nucleotide variant.
Coding change: c.466C>T on transcript NM_000137.4 (MANE Select); coding-DNA position 466, C replaced by T.
Protein change: p.Pro156Ser; replaces proline 156 with serine.
Molecular consequence: missense variant.
Genome position (GRCh38, 1-based): chr15:80,168,062, C>T. VCF-style: chr15-80168062-C-T. GRCh37 (hg19) VCF-style: chr15-80460404-C-T.
Other names: p.Pro156Ser; c.466C>T, p.Pro156Ser (NM_001374377.1, NM_001374380.1); short protein forms P156S.
Identifiers: ClinVar variation 2683322 (VCV002683322.1), dbSNP rs1204682868, ClinGen allele CA393619781.

ClinVar aggregate classification (germline): Uncertain significance (1 of 4 stars; one submission).

Allele frequency attached by ClinVar (database versions not stated): gnomAD exomes below 0.00001.

Submission:

Mayo Clinic Laboratories, Mayo Clinic
Classification: Uncertain significance. Last evaluated: 2022-02-28. Review status: criteria provided, single submitter. Criteria: ACMG Guidelines, 2015. Collection method: clinical testing. Allele origin: germline. Observed: 1 variant allele.
Comment: PP3, PM2